The following is an entry in ClinVar:

ClinVar aggregate classification (germline): Likely benign. Review status: criteria provided, multiple submitters, no conflicts (2 of 4 stars). 4 submissions from 4 submitters: Likely benign (3). 1 of the submissions does not count toward it. Last evaluated 2025-07-29.

Conditions:
FAT4-related disorder. Also called: FAT4-related condition.

Allele frequency attached by ClinVar (database versions not stated): TOPMed 0.00003; gnomAD 0.00004.
gnomAD v4.1: 103 of 1,612,788 alleles (0.0064%); highest among the groups gnomAD compares: Non-Finnish European, 0.0078%; no homozygotes.

Submissions (4):

Labcorp Genetics (formerly Invitae), Labcorp
Classification: Likely benign. Last evaluated: 2025-07-29. Review status: criteria provided, single submitter. Criteria: Invitae Variant Classification Sherloc (09022015). Collection method: clinical testing. Allele origin: germline.

CeGaT Center for Human Genetics Tuebingen
Classification: Likely benign. Last evaluated: 2025-04-01. Review status: criteria provided, single submitter. Criteria: CeGaT Center For Human Genetics Tuebingen Variant Classification Criteria Version 2. Collection method: clinical testing. Allele origin: germline. Affected: yes. Observed: 2 variant alleles.
Comment: FAT4: BP4, BP7

Blueprint Genetics
Classification: Likely benign. Last evaluated: 2020-09-28. Review status: criteria provided, single submitter. Criteria: ACMG Guidelines, 2015. Collection method: clinical testing. Allele origin: germline.

PreventionGenetics, part of Exact Sciences
Classification: Likely benign for FAT4-related condition. Last evaluated: 2020-11-25. Review status: no assertion criteria provided. Collection method: clinical testing. Allele origin: germline. Not counted in ClinVar's aggregate classification.
Comment: This variant is classified as likely benign based on ACMG/AMP sequence variant interpretation guidelines (Richards et al. 2015 PMID: 25741868, with internal and published modifications).

NM_001291303.3(FAT4):c.11943A>T (p.Gly3981=)

Gene: FAT4 (FAT atypical cadherin 4; plus strand). Cytogenetic location: 4q28.1.
Variant type: single nucleotide variant.
Coding change: c.11943A>T on transcript NM_001291303.3 (MANE Select); coding-DNA position 11943, A replaced by T.
Protein change: p.Gly3981=; no amino-acid change (glycine 3981 retained).
Molecular consequence: synonymous variant.
Genome position (GRCh38, 1-based): chr4:125,468,549, A>T. VCF-style: chr4-125468549-A-T. GRCh37 (hg19) VCF-style: chr4-126389704-A-T.
Other names: c.11937A>T (NM_024582.4); c.11943A>T, p.Gly3981= (NM_001291285.3); c.11937A>T, p.Gly3979= (NM_024582.6).
Identifiers: ClinVar variation 1589409 (VCV001589409.35), dbSNP rs754755525, ClinGen allele CA3073977.
Genomic context (GRCh38, chr4:125,468,549, plus strand): 5'-TTTGTCAATTTTCCCTCCAACAGGTGTCTTTGGAAAACACTGCGAGTTGAACAGTTATGG[A>T]TTTGAGGAGTTATCATACATGGAATTTCCAAGCTTGGACCCCAATAACAACTATATTTAT-3'
Protein context (NP_001278232.1, residues 3971-3991): FGKHCELNSY[Gly3981=]FEELSYMEFP